The following is an entry in ClinVar:

ClinVar aggregate classification (germline): Uncertain significance (1 of 4 stars; one submission).

Submission:

Labcorp Genetics (formerly Invitae), Labcorp
Classification: Uncertain significance. Last evaluated: 2021-12-27. Review status: criteria provided, single submitter. Criteria: Invitae Variant Classification Sherloc (09022015). Collection method: clinical testing. Allele origin: germline.
Comment: In summary, the available evidence is currently insufficient to determine the role of this variant in disease. Therefore, it has been classified as a Variant of Uncertain Significance. Algorithms developed to predict the effect of missense changes on protein structure and function are either unavailable or do not agree on the potential impact of this missense change (SIFT: "Deleterious"; PolyPhen-2: "Benign"; Align-GVGD: "Class C0"). This variant has not been reported in the literature in individuals affected with NSMCE3-related conditions. This variant is not present in population databases (gnomAD no frequency). This sequence change replaces valine, which is neutral and non-polar, with alanine, which is neutral and non-polar, at codon 89 of the NSMCE3 protein (p.Val89Ala).

NM_138704.4(NSMCE3):c.266T>C (p.Val89Ala)

Genes: ENTREP2 (endosomal transmembrane epsin interactor 2; minus strand), NSMCE3 (NSE3 component of SMC5/6 complex; minus strand). Cytogenetic location: 15q13.1.
Variant type: single nucleotide variant.
Coding change: c.266T>C on transcript NM_138704.4 (MANE Select); coding-DNA position 266, T replaced by C.
Protein change: p.Val89Ala; replaces valine 89 with alanine.
Molecular consequence: missense variant. On other transcripts: intron variant (5).
Genome position (GRCh38, 1-based): chr15:29,269,440, A>G on the plus strand (T>C on the coding strand, the complement: NSMCE3 is on the minus strand). VCF-style: chr15-29269440-A-G. GRCh37 (hg19) VCF-style: chr15-29561644-A-G.
Other names: c.-12-16962T>C (NM_001387217.1, NM_001387215.1, NM_001387216.1); c.277-16962T>C (NM_001387214.1, NM_015307.2); short protein forms V89A.
Identifiers: ClinVar variation 2061850 (VCV002061850.4), dbSNP rs2543804682, ClinGen allele CA391484601.